The following is an entry in ClinVar:

ClinVar aggregate classification (germline): Uncertain significance (1 of 4 stars; one submission).

Conditions:
Long QT syndrome (LQTS). Identifiers: MedGen C0023976, MeSH D008133, MONDO:0002442. Disease mechanism: loss of function. Inheritance: Various modes of inheritance.

Allele frequency attached by ClinVar (database versions not stated): gnomAD exomes below 0.00001; ExAC 0.00001; gnomAD 0.00001; TOPMed 0.00001.
gnomAD v4.1: 6 of 1,613,802 alleles (0.00037%); highest among the groups gnomAD compares: African/African-American, 0.0013%; no homozygotes.

Submission:

Labcorp Genetics (formerly Invitae), Labcorp
Classification: Uncertain significance for Long QT syndrome. Last evaluated: 2020-09-10. Review status: criteria provided, single submitter. Criteria: Invitae Variant Classification Sherloc (09022015). Collection method: clinical testing. Allele origin: germline.
Comment: Algorithms developed to predict the effect of missense changes on protein structure and function (SIFT, PolyPhen-2, Align-GVGD) all suggest that this variant is likely to be tolerated, but these predictions have not been confirmed by published functional studies and their clinical significance is uncertain. This variant has not been reported in the literature in individuals with AKAP9-related conditions. This variant is present in population databases (rs767504200, ExAC 0.01%). This sequence change replaces leucine with phenylalanine at codon 2352 of the AKAP9 protein (p.Leu2352Phe). The leucine residue is moderately conserved and there is a small physicochemical difference between leucine and phenylalanine. In summary, the available evidence is currently insufficient to determine the role of this variant in disease. Therefore, it has been classified as a Variant of Uncertain Significance.

NM_005751.5(AKAP9):c.7054C>T (p.Leu2352Phe)

Gene: AKAP9 (A-kinase anchoring protein 9; plus strand). Cytogenetic location: 7q21.2.
Variant type: single nucleotide variant.
Coding change: c.7054C>T on transcript NM_005751.5 (MANE Select); coding-DNA position 7054, C replaced by T.
Protein change: p.Leu2352Phe; replaces leucine 2352 with phenylalanine.
Molecular consequence: missense variant.
Genome position (GRCh38, 1-based): chr7:92,079,187, C>T. VCF-style: chr7-92079187-C-T. GRCh37 (hg19) VCF-style: chr7-91708501-C-T.
Other names: c.1699C>T, p.Leu567Phe (NM_001379277.1); c.7030C>T, p.Leu2344Phe (NM_147185.3); short protein forms L2344F, L2352F, L567F.
Identifiers: ClinVar variation 1052423 (VCV001052423.9), dbSNP rs767504200, ClinGen allele CA4337222.
Genomic context (GRCh38, chr7:92,079,187, plus strand): 5'-GAATGTTTGATGAGTGATCAAGAATGTGTGAAGAGAAATAGAGAAGAAGAAATAGAGCAG[C>T]TCAATGAAGTGATTGAAAAACTTCAACAGGAATTGGCAAATATTGGACAGAAGACATCAA-3'
Protein context (NP_005742.4, residues 2342-2362): KRNREEEIEQ[Leu2352Phe]NEVIEKLQQE